The following is an entry in ClinVar:

ClinVar aggregate classification (germline): Uncertain significance (1 of 4 stars; one submission).

Conditions:
Inborn genetic diseases. Identifiers: MedGen C0950123, MeSH D030342.

gnomAD v4.1: 2 of 1,607,672 alleles (0.00012%); highest among the groups gnomAD compares: Non-Finnish European, 0.00017%; no homozygotes.

Submission:

Ambry Genetics
Classification: Uncertain significance for Inborn genetic diseases. Last evaluated: 2026-07-13. Review status: criteria provided, single submitter. Criteria: Ambry Variant Classification Scheme 2023. Collection method: clinical testing. Allele origin: germline.
Comment: The c.1205G>A (p.S402N) alteration is located in exon 4 (coding exon 4) of the ERF gene. This alteration results from a G to A substitution at nucleotide position 1205, causing the serine (S) at amino acid position 402 to be replaced by an asparagine (N). Based on data from gnomAD, the A allele has an overall frequency of 0.003% (1/31380) total alleles studied. The highest observed frequency was 0.007% (1/15420) of European (non-Finnish) alleles. Based on insufficient or conflicting evidence, the clinical significance of this alteration remains unclear.

NM_006494.4(ERF):c.1205G>A (p.Ser402Asn)

Gene: ERF (ETS2 repressor factor; minus strand). Cytogenetic location: 19q13.2.
Variant type: single nucleotide variant.
Coding change: c.1205G>A on transcript NM_006494.4 (MANE Select); coding-DNA position 1205, G replaced by A.
Protein change: p.Ser402Asn; replaces serine 402 with asparagine.
Molecular consequence: missense variant.
Genome position (GRCh38, 1-based): chr19:42,248,907, C>T on the plus strand (G>A on the coding strand, the complement: ERF is on the minus strand). VCF-style: chr19-42248907-C-T. GRCh37 (hg19) VCF-style: chr19-42753059-C-T.
Other names: c.980G>A, p.Ser327Asn (NM_001301035.2, NM_001308402.2, NM_001312656.2 and 1 more transcripts); c.398G>A, p.Ser133Asn (NM_001440421.1); short protein forms S327N, S402N, S133N.
Identifiers: ClinVar variation 5036121 (VCV005036121.1).